The following is an entry in ClinVar:

NM_001288705.3(CSF1R):c.*405G>C

Gene: CSF1R (colony stimulating factor 1 receptor; minus strand). Cytogenetic location: 5q32.
Variant type: single nucleotide variant.
Coding change: c.*405G>C on transcript NM_001288705.3 (MANE Select); 405 bases downstream of the stop codon, G replaced by C.
Molecular consequence: 3 prime UTR variant. On other transcripts: non-coding transcript variant (2).
Genome position (GRCh38, 1-based): chr5:150,053,664, C>G on the plus strand (G>C on the coding strand, the complement: CSF1R is on the minus strand). VCF-style: chr5-150053664-C-G. GRCh37 (hg19) VCF-style: chr5-149433227-C-G.
Other names: c.*405G>C (NM_001349736.2, NM_001375320.1, NM_001375321.1 and 1 more transcripts).
Identifiers: ClinVar variation 352109 (VCV000352109.5), dbSNP rs1058920, ClinGen allele CA10620868.
Genomic context (GRCh38, chr5:150,053,664, plus strand): 5'-CTGAGCTGAGTGTGGTCTGTGAGCATCTGCTGCTCCTCTCAGAGAGGGAGATCTCACTCT[C>G]TGCCAGTCTGTCTAGCCCCAAAGAGCCTGGTTTTCTCAGTATCAGTGTAGCTCCTGGGGA-3'

ClinVar aggregate classification (germline): Benign (1 of 4 stars; one submission).

Conditions:
Hereditary diffuse leukoencephalopathy with spheroids. Also called: LEUKOENCEPHALOPATHY, ADULT-ONSET, WITH AXONAL SPHEROIDS AND PIGMENTED GLIA. Identifiers: Orphanet 313808, MedGen C3711381, MONDO:0030796.

Allele frequency attached by ClinVar (database versions not stated): TOPMed 0.00432; 1000 Genomes Project 0.00519; gnomAD 0.00386; 1000 Genomes Project 30x 0.00547.
gnomAD v4.1: 703 of 301,708 alleles (0.23%); highest among the groups gnomAD compares: African/African-American, 1.4%; 7 homozygotes.

Submission:

Illumina Laboratory Services, Illumina
Classification: Benign for Leukoencephalopathy, diffuse hereditary, with spheroids 1. Last evaluated: 2018-01-12. Review status: criteria provided, single submitter. Criteria: ICSL Variant Classification Criteria 13 December 2019. Collection method: clinical testing. Allele origin: germline.
Comment: This variant was observed in the ICSL laboratory as part of a predisposition screen in an ostensibly healthy population. It had not been previously curated by ICSL or reported in the Human Gene Mutation Database (HGMD: prior to June 1st, 2018), and was therefore a candidate for classification through an automated scoring system. Utilizing variant allele frequency, disease prevalence and penetrance estimates, and inheritance mode, an automated score was calculated to assess if this variant is too frequent to cause the disease. Based on the score and internal cut-off values, a variant classified as benign is not then subjected to further curation. The score for this variant resulted in a classification of benign for this disease.